The following is an entry in ClinVar:

NM_001267550.2(TTN):c.68375G>C (p.Arg22792Thr)

Genes: TTN (titin; minus strand), TTN-AS1 (TTN antisense RNA 1; plus strand). Cytogenetic location: 2q31.2.
Variant type: single nucleotide variant.
Coding change: c.68375G>C on transcript NM_001267550.2 (MANE Select); coding-DNA position 68375, G replaced by C.
Protein change: p.Arg22792Thr; replaces arginine 22792 with threonine.
Molecular consequence: missense variant.
Genome position (GRCh38, 1-based): chr2:178,578,140, C>G on the plus strand (G>C on the coding strand, the complement: TTN is on the minus strand). VCF-style: chr2-178578140-C-G. GRCh37 (hg19) VCF-style: chr2-179442867-C-G.
Other names: c.63452G>C, p.Arg21151Thr (NM_001256850.1); c.41180G>C, p.Arg13727Thr (NM_003319.4); c.60671G>C, p.Arg20224Thr (NM_133378.4); c.41555G>C, p.Arg13852Thr (NM_133432.3); c.41756G>C, p.Arg13919Thr (NM_133437.4); short protein forms R13727T, R13852T, R13919T, R20224T, R21151T, R22792T.
Identifiers: ClinVar variation 4535915 (VCV004535915.2).

ClinVar aggregate classification (germline): Uncertain significance. Review status: criteria provided, multiple submitters, no conflicts (2 of 4 stars). 2 submissions from 2 submitters: Uncertain significance (2). Last evaluated 2026-02-04.

gnomAD v4.1: 5 of 1,612,992 alleles (0.00031%); highest among the groups gnomAD compares: East Asian, 0.0022%; no homozygotes.

Submissions (2):

GeneDx
Classification: Uncertain significance. Last evaluated: 2026-02-04. Review status: criteria provided, single submitter. Criteria: GeneDx Variant Classification Process June 2021. Collection method: clinical testing. Allele origin: germline.
Comment: Not observed at significant frequency in large population cohorts (gnomAD); Missense variant in a gene in which most reported pathogenic variants are truncating/loss of function; Has not been previously published as pathogenic or benign to our knowledge

Women's Health and Genetics/Laboratory Corporation of America, LabCorp
Classification: Uncertain significance. Last evaluated: 2025-09-02. Review status: criteria provided, single submitter. Criteria: LabCorp Variant Classification Summary - May 2015. Collection method: clinical testing. Allele origin: germline.
Comment: Variant summary: TTN NM_133378 c.60671G>C (p.Arg20224Thr), also known as NM_133379 c.*167445G>C and NM_001267550 c.68375G>C p.Arg22792Thr, results in a non-conservative amino acid change in the encoded protein sequence. Algorithms developed to predict the effect of missense changes on protein structure and function are either unavailable or do not agree on the potential impact of this missense change. The variant allele was found at a frequency of 8.1e-06 in 248138 control chromosomes. The available data on variant occurrences in the general population are insufficient to allow any conclusion about variant significance. To our knowledge, no occurrence of c.60671G>C in individuals affected with TTN-related conditions and no experimental evidence demonstrating its impact on protein function have been reported. No submitters have cited clinical-significance assessments for this variant to ClinVar. Based on the evidence outlined above, the variant was classified as uncertain significance.